The following is an entry in ClinVar:

ClinVar aggregate classification (germline): Pathogenic. Review status: criteria provided, multiple submitters, no conflicts (2 of 4 stars). 2 submissions from 2 submitters: Pathogenic (2). Last evaluated 2022-06-10.

Conditions:
Hereditary breast ovarian cancer syndrome. Also called: Hereditary breast and ovarian cancer; Hereditary breast and ovarian cancer syndrome (HBOC); BRCA1- and BRCA2-Associated Hereditary Breast and Ovarian Cancer; Hereditary breast and ovarian cancer syndrome; Hereditary breast and/or ovarian cancer syndrome; Breast and ovarian cancer. Identifiers: Orphanet 145, MedGen C0677776, MeSH D061325, MONDO:0003582. Disease mechanism: loss of function.

Submissions (2):

Labcorp Genetics (formerly Invitae), Labcorp
Classification: Pathogenic for Hereditary breast ovarian cancer syndrome. Last evaluated: 2022-06-10. Review status: criteria provided, single submitter. Criteria: Invitae Variant Classification Sherloc (09022015). Collection method: clinical testing. Allele origin: germline.
Comment: For these reasons, this variant has been classified as Pathogenic. ClinVar contains an entry for this variant (Variation ID: 640305). This variant has not been reported in the literature in individuals affected with BRCA2-related conditions. This variant is not present in population databases (gnomAD no frequency). This sequence change creates a premature translational stop signal (p.Leu105*) in the BRCA2 gene. It is expected to result in an absent or disrupted protein product. Loss-of-function variants in BRCA2 are known to be pathogenic (PMID: 20104584).

Pittsburgh Clinical Genomics Laboratory, University of Pittsburgh Medical Center
Classification: Pathogenic for Hereditary Breast and Ovarian Cancer Syndrome. Last evaluated: 2018-07-12. Review status: criteria provided, single submitter. Criteria: ACMG Guidelines, 2015. Collection method: clinical testing. Allele origin: germline. Affected: yes. Observed: 1 variant allele.
Comment: This sequence variant is a single nucleotide deletion (delT) in exon 3/28 of the BRCA2 gene and is expected to result in nonsense mediated decay of the mRNA and/or a lack of functional protein from the variant allele. While this particular variant has not been reported in published breast cancer studies or control databases (ExAC/gnomAD) to our knowledge, the single nucleotide substitution c.314T>G (also known as 542T>G, legacy nomenclature) leading to the same predicted effect on the protein and mRNA has been reported in numerous breast cancer patients and segregates with breast cancer patients in a large family (PMIDs 25682074, 14735197). ClinVar has an entry for the c.314T>G Leu105Ter variant with six pathogenic assertions. Given the evidence, we consider this to be a pathogenic variant.

Literature cited by the submitters: PubMed 20104584 (cited by Labcorp Genetics (formerly Invitae), Labcorp); PubMed 25682074 (cited by Pittsburgh Clinical Genomics Laboratory, University of Pittsburgh Medical Center); PubMed 14735197 (cited by Pittsburgh Clinical Genomics Laboratory, University of Pittsburgh Medical Center).

NM_000059.4(BRCA2):c.314del (p.Asp104_Leu105insTer)

Gene: BRCA2 (BRCA2 DNA repair associated; plus strand). Cytogenetic location: 13q13.1.
Variant type: Deletion.
Coding change: c.314del on transcript NM_000059.4 (MANE Select); coding-DNA position 314, one base deleted (T; older notation c.314delT).
Protein change: p.Asp104_Leu105insTer.
Molecular consequence: nonsense.
Genome position (GRCh38, 1-based): chr13:32,319,323, T deleted; the last of 2 consecutive T bases (chr13:32,319,322-32,319,323); deleting either gives the same sequence. VCF-style (leftmost placement, unchanged base first): chr13-32319321-CT-C. GRCh37 (hg19) VCF-style: chr13-32893458-CT-C.
Other names: c.314delT (NM_000059.3).
Identifiers: ClinVar variation 640305 (VCV000640305.8), dbSNP rs1593882934, ClinGen allele CA915946930.
Genomic context (GRCh38, chr13:32,319,321, plus strand): 5'-AGGGCTGACTCTGCCGCTGTACCAATCTCCTGTAAAAGAATTAGATAAATTCAAATTAGA[CT>C]TAGGTAAGTAATGCAATATGGTAGACTGGGGAGAACTACAAACTAGGAATTTAGGCAAAC-3'